The following is an entry in ClinVar:

ClinVar aggregate classification (germline): Uncertain significance (1 of 4 stars; one submission).

Conditions:
Neuronal ceroid lipofuscinosis. Also called: Neuronal Ceroid Lipofuscinoses. Identifiers: Orphanet 216, Orphanet 79263, MedGen C0027877, MONDO:0016295. Disease mechanism: loss of function.

Submission:

Labcorp Genetics (formerly Invitae), Labcorp
Classification: Uncertain significance for Neuronal ceroid lipofuscinosis. Last evaluated: 2020-12-28. Review status: criteria provided, single submitter. Criteria: Invitae Variant Classification Sherloc (09022015). Collection method: clinical testing. Allele origin: germline.
Comment: This sequence change creates a premature translational stop signal (p.Gln174*) in the DNAJC5 gene. While this is not anticipated to result in nonsense mediated decay, it is expected to disrupt the last 25 amino acid(s) of the DNAJC5 protein. This variant is not present in population databases (ExAC no frequency). This variant has not been reported in the literature in individuals with DNAJC5-related conditions. In summary, the available evidence is currently insufficient to determine the role of this variant in disease. Therefore, it has been classified as a Variant of Uncertain Significance.

NM_025219.3(DNAJC5):c.520C>T (p.Gln174Ter)

Gene: DNAJC5 (DnaJ heat shock protein family (Hsp40) member C5; plus strand). Cytogenetic location: 20q13.33.
Variant type: single nucleotide variant.
Coding change: c.520C>T on transcript NM_025219.3 (MANE Select); coding-DNA position 520, C replaced by T.
Protein change: p.Gln174Ter; replaces glutamine 174 with a stop codon.
Molecular consequence: nonsense.
Genome position (GRCh38, 1-based): chr20:63,931,491, C>T. VCF-style: chr20-63931491-C-T. GRCh37 (hg19) VCF-style: chr20-62562844-C-T.
Other names: short protein forms Q174*.
Identifiers: ClinVar variation 1498539 (VCV001498539.6), dbSNP rs2146309343, ClinGen allele CA409721011.